The following is an entry in ClinVar:

NM_019098.5(CNGB3):c.419G>T (p.Arg140Leu)

Gene: CNGB3 (cyclic nucleotide gated channel subunit beta 3; minus strand). Cytogenetic location: 8q21.3.
Variant type: single nucleotide variant.
Coding change: c.419G>T on transcript NM_019098.5 (MANE Select); coding-DNA position 419, G replaced by T.
Protein change: p.Arg140Leu; replaces arginine 140 with leucine.
Molecular consequence: missense variant.
Genome position (GRCh38, 1-based): chr8:86,671,018, C>A on the plus strand (G>T on the coding strand, the complement: CNGB3 is on the minus strand). VCF-style: chr8-86671018-C-A. GRCh37 (hg19) VCF-style: chr8-87683246-C-A.
Other names: short protein forms R140L.
Identifiers: ClinVar variation 3716002 (VCV003716002.2).
Genomic context (GRCh38, chr8:86,671,018, plus strand): 5'-GCTTCGGGTGAGGAGAGATCTCCCTCTACCAACTTTTTCTTGTAGAGGGCTGTTCTTTGA[C>A]GCATTCTTTTCACCAGGTTGTGTAGCTGGGCATCGGCATACTCATTTATAACAGGAGCTG-3'
Protein context (NP_061971.3, residues 130-150): AQLHNLVKRM[Arg140Leu]QRTALYKKKL

ClinVar aggregate classification (germline): Uncertain significance (1 of 4 stars; one submission).

gnomAD v4.1: 4 of 1,613,640 alleles (0.00025%); highest among the groups gnomAD compares: Non-Finnish European, 0.00034%; no homozygotes.

Submission:

Labcorp Genetics (formerly Invitae), Labcorp
Classification: Uncertain significance. Last evaluated: 2024-11-12. Review status: criteria provided, single submitter. Criteria: Invitae Variant Classification Sherloc (09022015). Collection method: clinical testing. Allele origin: germline.
Comment: This sequence change replaces arginine, which is basic and polar, with leucine, which is neutral and non-polar, at codon 140 of the CNGB3 protein (p.Arg140Leu). This variant is present in population databases (rs373216514, gnomAD 0.0009%). This variant has not been reported in the literature in individuals affected with CNGB3-related conditions. Invitae Evidence Modeling of protein sequence and biophysical properties (such as structural, functional, and spatial information, amino acid conservation, physicochemical variation, residue mobility, and thermodynamic stability) has been performed for this missense variant. However, the output from this modeling did not meet the statistical confidence thresholds required to predict the impact of this variant on CNGB3 protein function. In summary, the available evidence is currently insufficient to determine the role of this variant in disease. Therefore, it has been classified as a Variant of Uncertain Significance.